The following is an entry in ClinVar:

NM_032193.4(RNASEH2C):c.216G>A (p.Glu72=)

Gene: RNASEH2C (ribonuclease H2 subunit C; minus strand). Cytogenetic location: 11q13.1.
Variant type: single nucleotide variant.
Coding change: c.216G>A on transcript NM_032193.4 (MANE Select); coding-DNA position 216, G replaced by A.
Protein change: p.Glu72=; no amino-acid change (glutamic acid 72 retained).
Molecular consequence: synonymous variant.
Genome position (GRCh38, 1-based): chr11:65,720,374, C>T on the plus strand (G>A on the coding strand, the complement: RNASEH2C is on the minus strand). VCF-style: chr11-65720374-C-T. GRCh37 (hg19) VCF-style: chr11-65487845-C-T.
Identifiers: ClinVar variation 2886328 (VCV002886328.5), dbSNP rs1271586408, ClinGen allele CA475472932.

ClinVar aggregate classification (germline): Likely benign. Review status: criteria provided, single submitter (1 of 4 stars). 2 submissions from 2 submitters: Likely benign (1). 1 of the submissions does not count toward it. Last evaluated 2026-01-14.

Conditions:
RNASEH2C-related disorder. Also called: RNASEH2C-related condition.
Aicardi-Goutieres syndrome 3. Identifiers: Orphanet 51, MedGen C1835916, MONDO:0012471, OMIM 610329.

Allele frequency attached by ClinVar (database versions not stated): gnomAD exomes 0.00001.
gnomAD v4.1: 15 of 1,614,222 alleles (0.00093%); highest among the groups gnomAD compares: Non-Finnish European, 0.0013%; no homozygotes.

Submissions (2):

Labcorp Genetics (formerly Invitae), Labcorp
Classification: Likely benign for Aicardi-Goutieres syndrome 3. Last evaluated: 2026-01-14. Review status: criteria provided, single submitter. Criteria: Invitae Variant Classification Sherloc (09022015). Collection method: clinical testing. Allele origin: germline.

PreventionGenetics, part of Exact Sciences
Classification: Likely benign for RNASEH2C-related condition. Last evaluated: 2023-09-11. Review status: no assertion criteria provided. Collection method: clinical testing. Allele origin: germline. Not counted in ClinVar's aggregate classification.
Comment: This variant is classified as likely benign based on ACMG/AMP sequence variant interpretation guidelines (Richards et al. 2015 PMID: 25741868, with internal and published modifications).